The following is an entry in ClinVar:

ClinVar aggregate classification (germline): Uncertain significance (1 of 4 stars; one submission).

gnomAD v4.1: 4 of 1,613,626 alleles (0.00025%); highest among the groups gnomAD compares: South Asian, 0.0011%; no homozygotes.

Submission:

Labcorp Genetics (formerly Invitae), Labcorp
Classification: Uncertain significance. Last evaluated: 2025-09-10. Review status: criteria provided, single submitter. Criteria: Invitae Variant Classification Sherloc (09022015). Collection method: clinical testing. Allele origin: germline.
Comment: This sequence change replaces alanine, which is neutral and non-polar, with threonine, which is neutral and polar, at codon 432 of the CDH2 protein (p.Ala432Thr). The frequency data for this variant in the population databases is considered unreliable, as metrics indicate poor data quality at this position in the gnomAD database. This variant has not been reported in the literature in individuals affected with CDH2-related conditions. ClinVar contains an entry for this variant (Variation ID: 3611401). An algorithm developed to predict the effect of missense changes on protein structure and function (PolyPhen-2) suggests that this variant is likely to be tolerated. In summary, the available evidence is currently insufficient to determine the role of this variant in disease. Therefore, it has been classified as a Variant of Uncertain Significance.

NM_001792.5(CDH2):c.1294G>A (p.Ala432Thr)

Gene: CDH2 (cadherin 2; minus strand). Cytogenetic location: 18q12.1.
Variant type: single nucleotide variant.
Coding change: c.1294G>A on transcript NM_001792.5 (MANE Select); coding-DNA position 1294, G replaced by A.
Protein change: p.Ala432Thr; replaces alanine 432 with threonine.
Molecular consequence: missense variant.
Genome position (GRCh38, 1-based): chr18:27,992,705, C>T on the plus strand (G>A on the coding strand, the complement: CDH2 is on the minus strand). VCF-style: chr18-27992705-C-T. GRCh37 (hg19) VCF-style: chr18-25572669-C-T.
Other names: c.1201G>A, p.Ala401Thr (NM_001308176.2); short protein forms A401T, A432T.
Identifiers: ClinVar variation 3611401 (VCV003611401.2).
Genomic context (GRCh38, chr18:27,992,705, plus strand): 5'-GAACACTTACTTTGACCACGGTGACTAACCCGTCGTTGCTGTTTGGGTCGGTCTGGATGG[C>T]GAACCGTCCAGTAGGATCTCCGCCACTGATTCTGTACACTGCGTTCCAGGCTGGTGTATG-3'
Protein context (NP_001783.2, residues 422-442): ISGGDPTGRF[Ala432Thr]IQTDPNSNDG